The following is an entry in ClinVar:

ClinVar aggregate classification (germline): Uncertain significance (1 of 4 stars; one submission).

Submission:

GeneDx
Classification: Uncertain significance. Last evaluated: 2023-03-24. Review status: criteria provided, single submitter. Criteria: GeneDx Variant Classification Process June 2021. Collection method: clinical testing. Allele origin: germline. Affected: yes.
Comment: Not observed at significant frequency in large population cohorts (gnomAD); In silico analysis supports that this missense variant has a deleterious effect on protein structure/function; Has not been previously published as pathogenic or benign to our knowledge

NM_001134673.4(NFIA):c.85A>T (p.Thr29Ser)

Gene: NFIA (nuclear factor I A; plus strand). Cytogenetic location: 1p31.3.
Variant type: single nucleotide variant.
Coding change: c.85A>T on transcript NM_001134673.4 (MANE Select); coding-DNA position 85, A replaced by T.
Protein change: p.Thr29Ser; replaces threonine 29 with serine.
Molecular consequence: missense variant.
Genome position (GRCh38, 1-based): chr1:61,088,206, A>T. VCF-style: chr1-61088206-A-T. GRCh37 (hg19) VCF-style: chr1-61553878-A-T.
Other names: c.61A>T, p.Thr21Ser (NM_001145511.2); c.220A>T, p.Thr74Ser (NM_001145512.2); c.85A>T, p.Thr29Ser (NM_005595.5); short protein forms T21S, T29S, T74S.
Identifiers: ClinVar variation 2580539 (VCV002580539.1), dbSNP rs2524199246, ClinGen allele CA340586240.
Genomic context (GRCh38, chr1:61,088,206, plus strand): 5'-TAGGATGAATTTCATCCTTTCATCGAAGCACTTCTGCCCCACGTCCGAGCCTTTGCCTAC[A>T]CATGGTTCAACCTGCAGGCCCGAAAACGAAAATACTTCAAAAAACATGAAAAGCGTATGT-3'
Protein context (NP_001128145.1, residues 19-39): LLPHVRAFAY[Thr29Ser]WFNLQARKRK